The following is an entry in ClinVar:

NM_003982.4(SLC7A7):c.949del (p.Ala317fs)

Gene: SLC7A7 (solute carrier family 7 member 7; minus strand). Cytogenetic location: 14q11.2.
Variant type: Deletion.
Coding change: c.949del on transcript NM_003982.4 (MANE Select); coding-DNA position 949, one base deleted (G; older notation c.949delG).
Protein change: p.Ala317fs; shifts the reading frame from alanine 317.
Molecular consequence: frameshift variant.
Genome position (GRCh38, 1-based): chr14:22,775,882, C deleted on the plus strand (G on the coding strand, the reverse complement: SLC7A7 is on the minus strand). VCF-style (leftmost placement, unchanged base first): chr14-22775881-GC-G. GRCh37 (hg19) VCF-style: chr14-23245090-GC-G.
Other names: c.949del, p.Ala317fs (NM_001126105.3, NM_001126106.4); short protein forms A317fs.
Identifiers: ClinVar variation 1355862 (VCV001355862.6), dbSNP rs2139387978, ClinGen allele CA2573149743.

ClinVar aggregate classification (germline): Pathogenic (1 of 4 stars; one submission).

Conditions:
Lysinuric protein intolerance (LPI). Identifiers: Orphanet 470, MedGen C0268647, MONDO:0009109, OMIM 222700.

Allele frequency attached by ClinVar (database versions not stated): gnomAD exomes below 0.00001.

Submission:

Labcorp Genetics (formerly Invitae), Labcorp
Classification: Pathogenic for Lysinuric protein intolerance. Last evaluated: 2022-11-29. Review status: criteria provided, single submitter. Criteria: Invitae Variant Classification Sherloc (09022015). Collection method: clinical testing. Allele origin: germline.
Comment: This variant has not been reported in the literature in individuals affected with SLC7A7-related conditions. This variant is not present in population databases (gnomAD no frequency). This sequence change creates a premature translational stop signal (p.Ala317Hisfs*34) in the SLC7A7 gene. It is expected to result in an absent or disrupted protein product. Loss-of-function variants in SLC7A7 are known to be pathogenic (PMID: 10631139, 17764084). ClinVar contains an entry for this variant (Variation ID: 1355862). For these reasons, this variant has been classified as Pathogenic.

Literature cited by the submitters: PubMed 10631139; PubMed 17764084.